The following is an entry in ClinVar:

ClinVar aggregate classification (germline): Uncertain significance (1 of 4 stars; one submission).

Allele frequency attached by ClinVar (database versions not stated): gnomAD exomes 0.00001; ExAC 0.00001.
gnomAD v4.1: 12 of 1,614,194 alleles (0.00074%); highest among the groups gnomAD compares: Non-Finnish European, 0.00093%; no homozygotes.

Submission:

Genetic Services Laboratory, University of Chicago
Classification: Uncertain significance. Last evaluated: 2021-06-16. Review status: criteria provided, single submitter. Criteria: ACMG Guidelines, 2015. Collection method: clinical testing. Allele origin: germline. Affected: no.
Comment: DNA sequence analysis of the SETX gene demonstrated a sequence change c.6689T>C, in exon 21 that results in an amino acid change, p.Met2230Thr. This sequence change has been described in two non-Finnish European individuals only in the gnomAD population database (dbSNP rs753109637). This sequence change has been previously described in an individual with ataxia with oculomotor apraxia type 2 together with a second SETX variant (PMID: 20713024). The p.Met2230Thr change affects a moderately conserved amino acid residue located in the helicase domain of the SETX protein and in a region where other pathogenic missense variants have been described. The p.Met2230Thr substitution appears to be deleterious using several in-silico pathogenicity prediction tools (SIFT, PolyPhen2, REVEL, CADD). Due to the lack of functional studies, the clinical significance of the p.Met2230Thr change remains unknown at this time.

NM_015046.7(SETX):c.6689T>C (p.Met2230Thr)

Gene: SETX (senataxin; minus strand). Cytogenetic location: 9q34.13.
Variant type: single nucleotide variant.
Coding change: c.6689T>C on transcript NM_015046.7 (MANE Select); coding-DNA position 6689, T replaced by C.
Protein change: p.Met2230Thr; replaces methionine 2230 with threonine.
Molecular consequence: missense variant.
Genome position (GRCh38, 1-based): chr9:132,278,223, A>G on the plus strand (T>C on the coding strand, the complement: SETX is on the minus strand). VCF-style: chr9-132278223-A-G. GRCh37 (hg19) VCF-style: chr9-135153610-A-G.
Other names: c.6689T>C, p.Met2230Thr (NM_001351527.2, NM_001351528.2); short protein forms M2230T.
Identifiers: ClinVar variation 1334810 (VCV001334810.4), dbSNP rs753109637, ClinGen allele CA5296637.
Genomic context (GRCh38, chr9:132,278,223, plus strand): 5'-GGCAGCCTGCTGATCATGTTGTGTTCTACATTCTCTTCCAGCAGTCTGCAGAAGCGAGCC[A>G]TCATTGACTGGTCGTAGCCATACTCCTGTGCTTTCTGTGAGGGGCAAAATAAAGCAACAG-3'
Protein context (NP_055861.3, residues 2220-2240): AQEYGYDQSM[Met2230Thr]ARFCRLLEEN